The following is an entry in ClinVar:

NM_004329.3(BMPR1A):c.547A>T (p.Ile183Phe)

Gene: BMPR1A (bone morphogenetic protein receptor type 1A; plus strand). Cytogenetic location: 10q23.2.
Variant type: single nucleotide variant.
Coding change: c.547A>T on transcript NM_004329.3 (MANE Select); coding-DNA position 547, A replaced by T.
Protein change: p.Ile183Phe; replaces isoleucine 183 with phenylalanine.
Molecular consequence: missense variant.
Genome position (GRCh38, 1-based): chr10:86,912,256, A>T. VCF-style: chr10-86912256-A-T. GRCh37 (hg19) VCF-style: chr10-88672013-A-T.
Other names: c.547A>T (NM_004329.2); short protein forms I183F.
Identifiers: ClinVar variation 1050880 (VCV001050880.10), dbSNP rs935076000, ClinGen allele CA211200356.

ClinVar aggregate classification (germline): Uncertain significance. Review status: criteria provided, multiple submitters, no conflicts (2 of 4 stars). 2 submissions from 2 submitters: Uncertain significance (2). Last evaluated 2024-10-08.

Conditions:
Juvenile polyposis syndrome (JPS). Identifiers: Orphanet 2929, MedGen C0345893, MONDO:0017380, OMIM 174900.
Hereditary cancer-predisposing syndrome. Also called: Hereditary Cancer Syndrome; Tumor predisposition; Hereditary neoplastic syndrome; Neoplastic Syndromes, Hereditary. Identifiers: Orphanet 140162, MedGen C0027672, MeSH D009386, MONDO:0015356.

Submissions (2):

Ambry Genetics
Classification: Uncertain significance for Hereditary cancer-predisposing syndrome. Last evaluated: 2024-10-08. Review status: criteria provided, single submitter. Criteria: Ambry Variant Classification Scheme 2023. Collection method: clinical testing. Allele origin: germline.
Comment: The p.I183F variant (also known as c.547A>T), located in coding exon 6 of the BMPR1A gene, results from an A to T substitution at nucleotide position 547. The isoleucine at codon 183 is replaced by phenylalanine, an amino acid with highly similar properties. This amino acid position is conserved. In addition, this alteration is predicted to be tolerated by in silico analysis. Based on the available evidence, the clinical significance of this variant remains unclear.

Labcorp Genetics (formerly Invitae), Labcorp
Classification: Uncertain significance for Juvenile polyposis syndrome. Last evaluated: 2023-08-28. Review status: criteria provided, single submitter. Criteria: Invitae Variant Classification Sherloc (09022015). Collection method: clinical testing. Allele origin: germline.
Comment: In summary, the available evidence is currently insufficient to determine the role of this variant in disease. Therefore, it has been classified as a Variant of Uncertain Significance. Advanced modeling of protein sequence and biophysical properties (such as structural, functional, and spatial information, amino acid conservation, physicochemical variation, residue mobility, and thermodynamic stability) performed at Invitae indicates that this missense variant is not expected to disrupt BMPR1A protein function. ClinVar contains an entry for this variant (Variation ID: 1050880). This variant has not been reported in the literature in individuals affected with BMPR1A-related conditions. This variant is not present in population databases (gnomAD no frequency). This sequence change replaces isoleucine, which is neutral and non-polar, with phenylalanine, which is neutral and non-polar, at codon 183 of the BMPR1A protein (p.Ile183Phe).